The following is an entry in ClinVar:

ClinVar aggregate classification (germline): Conflicting classifications of pathogenicity. Review status: criteria provided, conflicting classifications (1 of 4 stars). 4 submissions from 4 submitters: Uncertain significance (3); Likely benign (1). Last evaluated 2025-12-28.

Conditions:
Hereditary spastic paraplegia 77. Also called: Spastic paraplegia 77, autosomal recessive. Identifiers: Orphanet 466722, MedGen C5569007, MONDO:0014882, OMIM 617046.
Combined oxidative phosphorylation defect type 14. Also called: Combined oxidative phosphorylation deficiency 14. Identifiers: Orphanet 319519, MedGen C4755312, MONDO:0013986, OMIM 614946.

Allele frequency attached by ClinVar (database versions not stated): gnomAD exomes 0.00003 and 0.00015; gnomAD 0.00004; TOPMed 0.00004; ExAC 0.00012; 1000 Genomes Project 0.00040; 1000 Genomes Project 30x 0.00047.
gnomAD v4.1: 58 of 1,613,980 alleles (0.0036%); highest among the groups gnomAD compares: East Asian, 0.08%; no homozygotes.

Submissions (4):

Labcorp Genetics (formerly Invitae), Labcorp
Classification: Likely benign for Combined oxidative phosphorylation defect type 14. Last evaluated: 2025-12-28. Review status: criteria provided, single submitter. Criteria: Invitae Variant Classification Sherloc (09022015). Collection method: clinical testing. Allele origin: germline.

CeGaT Center for Human Genetics Tuebingen
Classification: Uncertain significance. Last evaluated: 2023-01-01. Review status: criteria provided, single submitter. Criteria: CeGaT Center For Human Genetics Tuebingen Variant Classification Criteria Version 2. Collection method: clinical testing. Allele origin: germline. Affected: yes. Observed: 1 variant allele.
Comment: FARS2: PM2:Supporting, BP4

Fulgent Genetics
Classification: Uncertain significance for Combined oxidative phosphorylation defect type 14; Hereditary spastic paraplegia 77. Last evaluated: 2021-07-26. Review status: criteria provided, single submitter. Criteria: ACMG Guidelines, 2015. Collection method: clinical testing. Allele origin: unknown.

Baylor Genetics
Classification: Uncertain significance for Combined oxidative phosphorylation defect type 14. Last evaluated: 2019-06-13. Review status: criteria provided, single submitter. Criteria: ACMG Guidelines, 2015. Collection method: clinical testing. Allele origin: unknown. Affected: yes.
Comment: This variant was determined to be of uncertain significance according to ACMG Guidelines, 2015 [PMID:25741868].

NM_006567.5(FARS2):c.497C>T (p.Ala166Val)

Genes: FARS2 (phenylalanyl-tRNA synthetase 2, mitochondrial; plus strand), LOC126859565 (CDK7 strongly-dependent group 2 enhancer GRCh37_chr6:5368745-5369944; plus strand). Cytogenetic location: 6p25.1.
Variant type: single nucleotide variant.
Coding change: c.497C>T on transcript NM_006567.5 (MANE Select); coding-DNA position 497, C replaced by T.
Protein change: p.Ala166Val; replaces alanine 166 with valine.
Molecular consequence: missense variant. On other transcripts: intron variant (2).
Genome position (GRCh38, 1-based): chr6:5,369,067, C>T. VCF-style: chr6-5369067-C-T. GRCh37 (hg19) VCF-style: chr6-5369300-C-T.
Other names: c.497C>T, p.Ala166Val (NM_001318872.2, NM_001374875.1, NM_001374876.1 and 5 more transcripts); c.-340-27566C>T (NM_001375260.1); c.-84-35475C>T (NM_001375259.1); short protein forms A166V.
Identifiers: ClinVar variation 473311 (VCV000473311.39), dbSNP rs538791135, ClinGen allele CA3623658.